The following is an entry in ClinVar:

NM_000969.5(RPL5):c.316G>T (p.Ala106Ser)

Genes: DIPK1A (divergent protein kinase domain 1A; minus strand), RPL5 (ribosomal protein L5; plus strand). Cytogenetic location: 1p22.1.
Variant type: single nucleotide variant.
Coding change: c.316G>T on transcript NM_000969.5 (MANE Select); coding-DNA position 316, G replaced by T.
Protein change: p.Ala106Ser; replaces alanine 106 with serine.
Molecular consequence: missense variant. On other transcripts: intron variant (1).
Genome position (GRCh38, 1-based): chr1:92,834,905, G>T. VCF-style: chr1-92834905-G-T. GRCh37 (hg19) VCF-style: chr1-93300462-G-T.
Other names: c.475-1871C>A (NM_001252273.2); short protein forms A106S.
Identifiers: ClinVar variation 3588090 (VCV003588090.1).

ClinVar aggregate classification (germline): Uncertain significance. Review status: criteria provided, multiple submitters, no conflicts (2 of 4 stars). 2 submissions from 2 submitters: Uncertain significance (2). Last evaluated 2025-02-11.

Conditions:
Diamond-Blackfan anemia. Also called: Blackfan Diamond syndrome; Aregenerative anemia chronic congenital; Red cell aplasia, pure hereditary; Congenital hypoplastic anemia; Aase syndrome. Identifiers: Orphanet 124, MedGen C1260899, MeSH D029503, MONDO:0015253, HP:0004810.
Diamond-Blackfan anemia 6 (DBA6). Also called: RPL5-Related Diamond-Blackfan Anemia. Identifiers: Orphanet 124, MedGen C2931850, MONDO:0012937, OMIM 612561.

gnomAD v4.1: 1 of 1,601,376 alleles (0.000062%); highest among the groups gnomAD compares: Non-Finnish European, 0.000085%; no homozygotes.

Submissions (2):

Labcorp Genetics (formerly Invitae), Labcorp
Classification: Uncertain significance for Diamond-Blackfan anemia. Last evaluated: 2025-02-11. Review status: criteria provided, single submitter. Criteria: Invitae Variant Classification Sherloc (09022015). Collection method: clinical testing. Allele origin: germline.
Comment: This sequence change replaces alanine, which is neutral and non-polar, with serine, which is neutral and polar, at codon 106 of the RPL5 protein (p.Ala106Ser). This variant is not present in population databases (gnomAD no frequency). This variant has not been reported in the literature in individuals affected with RPL5-related conditions. ClinVar contains an entry for this variant (Variation ID: 3588090). Invitae Evidence Modeling of protein sequence and biophysical properties (such as structural, functional, and spatial information, amino acid conservation, physicochemical variation, residue mobility, and thermodynamic stability) indicates that this missense variant is expected to disrupt RPL5 protein function with a positive predictive value of 80%. In summary, the available evidence is currently insufficient to determine the role of this variant in disease. Therefore, it has been classified as a Variant of Uncertain Significance.

Fulgent Genetics
Classification: Uncertain significance for Diamond-Blackfan anemia 6. Last evaluated: 2024-05-04. Review status: criteria provided, single submitter. Criteria: ACMG Guidelines, 2015. Collection method: clinical testing. Allele origin: germline.